The following is an entry in ClinVar:

ClinVar aggregate classification (germline): Uncertain significance. Review status: criteria provided, multiple submitters, no conflicts (2 of 4 stars). 5 submissions from 5 submitters: Uncertain significance (5). Last evaluated 2026-01-11.

Conditions:
Colorectal cancer, susceptibility to, 12 (CRCS12). Also called: COLORECTAL CANCER, SUSCEPTIBILITY TO, ON CHROMOSOME 12q24. Identifiers: Orphanet 220460, MedGen C3554460, MONDO:0014038, OMIM 615083.
Facial dysmorphism-immunodeficiency-livedo-short stature syndrome. Also called: FILS syndrome; Facial dysmorphism, immunodeficiency, livedo, and short stature. Identifiers: Orphanet 352712, MedGen C3554576, MONDO:0014058, OMIM 615139.
Intrauterine growth retardation, metaphyseal dysplasia, adrenal hypoplasia congenita, genital anomalies, and immunodeficiency. Also called: IMAGEI SYNDROME. Identifiers: MedGen C5193036, MONDO:0032684, OMIM 618336.
Hereditary cancer-predisposing syndrome. Also called: Neoplastic Syndromes, Hereditary; Tumor predisposition; Hereditary neoplastic syndrome; Hereditary Cancer Syndrome. Identifiers: Orphanet 140162, MedGen C0027672, MeSH D009386, MONDO:0015356.

Allele frequency attached by ClinVar (database versions not stated): gnomAD 0.00001; ExAC 0.00002; TOPMed 0.00004; ESP Exome Variant Server 0.00008; gnomAD exomes 0.00002 and 0.00001.
gnomAD v4.1: 21 of 1,613,410 alleles (0.0013%); highest among the groups gnomAD compares: African/African-American, 0.004%; no homozygotes.

Submissions (5):

Labcorp Genetics (formerly Invitae), Labcorp
Classification: Uncertain significance. Last evaluated: 2026-01-11. Review status: criteria provided, single submitter. Criteria: Invitae Variant Classification Sherloc (09022015). Collection method: clinical testing. Allele origin: germline.
Comment: This sequence change replaces arginine, which is basic and polar, with glutamine, which is neutral and polar, at codon 114 of the POLE protein (p.Arg114Gln). This variant is present in population databases (rs375785166, gnomAD 0.02%). This variant has not been reported in the literature in individuals affected with POLE-related conditions. ClinVar contains an entry for this variant (Variation ID: 473595). Invitae Evidence Modeling of protein sequence and biophysical properties (such as structural, functional, and spatial information, amino acid conservation, physicochemical variation, residue mobility, and thermodynamic stability) indicates that this missense variant is not expected to disrupt POLE protein function with a negative predictive value of 80%. In summary, the available evidence is currently insufficient to determine the role of this variant in disease. Therefore, it has been classified as a Variant of Uncertain Significance.

Ambry Genetics
Classification: Uncertain significance for Hereditary cancer-predisposing syndrome. Last evaluated: 2025-12-22. Review status: criteria provided, single submitter. Criteria: Ambry Variant Classification Scheme 2023. Collection method: clinical testing. Allele origin: germline.
Comment: The p.R114Q variant (also known as c.341G>A), located in coding exon 5 of the POLE gene, results from a G to A substitution at nucleotide position 341. The arginine at codon 114 is replaced by glutamine, an amino acid with highly similar properties. This amino acid position is highly conserved in available vertebrate species. In addition, this alteration is predicted to be tolerated by in silico analysis. Based on the available evidence, the clinical significance of this variant remains unclear.

GeneDx
Classification: Uncertain significance. Last evaluated: 2023-10-31. Review status: criteria provided, single submitter. Criteria: GeneDx Variant Classification Process June 2021. Collection method: clinical testing. Allele origin: germline. Affected: yes.
Comment: In silico analysis supports that this missense variant does not alter protein structure/function; Has not been previously published as pathogenic or benign to our knowledge

Department of Pathology and Laboratory Medicine, Sinai Health System
Classification: Uncertain significance for Colorectal cancer, susceptibility to, 12; Facial dysmorphism-immunodeficiency-livedo-short stature syndrome; Intrauterine growth retardation, metaphyseal dysplasia, adrenal hypoplasia congenita, genital anomalies, and immunodeficiency. Last evaluated: 2020-01-20. Review status: criteria provided, single submitter. Criteria: ACMG Guidelines, 2015. Collection method: clinical testing. Allele origin: germline. Affected: yes.

Quest Diagnostics Nichols Institute San Juan Capistrano
Classification: Uncertain significance. Last evaluated: 2019-07-17. Review status: criteria provided, single submitter. Criteria: Quest Diagnostics criteria. Collection method: clinical testing. Allele origin: germline.

NM_006231.4(POLE):c.341G>A (p.Arg114Gln)

Gene: POLE (DNA polymerase epsilon, catalytic subunit; minus strand). Cytogenetic location: 12q24.33.
Variant type: single nucleotide variant.
Coding change: c.341G>A on transcript NM_006231.4 (MANE Select); coding-DNA position 341, G replaced by A.
Protein change: p.Arg114Gln; replaces arginine 114 with glutamine.
Molecular consequence: missense variant.
Genome position (GRCh38, 1-based): chr12:132,680,036, C>T on the plus strand (G>A on the coding strand, the complement: POLE is on the minus strand). VCF-style: chr12-132680036-C-T. GRCh37 (hg19) VCF-style: chr12-133256622-C-T.
Other names: short protein forms R114Q.
Identifiers: ClinVar variation 473595 (VCV000473595.16), dbSNP rs375785166, ClinGen allele CA6894345.